The following is an entry in ClinVar:

ClinVar aggregate classification (germline): Likely benign (1 of 4 stars; one submission).

Conditions:
WDFY3-related disorder.

gnomAD v4.1: 99 of 1,614,106 alleles (0.0061%); highest among the groups gnomAD compares: Admixed American, 0.028%; 1 homozygote.

Submission:

PreventionGenetics, part of Exact Sciences
Classification: Likely benign for WDFY3-related condition. Last evaluated: 2025-10-08. Review status: criteria provided, single submitter. Criteria: ACMG Guidelines, 2015. Collection method: clinical testing. Allele origin: germline.
Comment: This variant is classified as likely benign based on ACMG/AMP sequence variant interpretation guidelines (Richards et al. 2015 PMID: 25741868, with internal and published modifications).

NM_014991.6(WDFY3):c.10035C>A (p.Gly3345=)

Gene: WDFY3 (WD repeat and FYVE domain containing 3; minus strand). Cytogenetic location: 4q21.23.
Variant type: single nucleotide variant.
Coding change: c.10035C>A on transcript NM_014991.6 (MANE Select); coding-DNA position 10035, C replaced by A.
Protein change: p.Gly3345=; no amino-acid change (glycine 3345 retained).
Molecular consequence: synonymous variant.
Genome position (GRCh38, 1-based): chr4:84,679,031, G>T on the plus strand (C>A on the coding strand, the complement: WDFY3 is on the minus strand). VCF-style: chr4-84679031-G-T. GRCh37 (hg19) VCF-style: chr4-85600184-G-T.
Identifiers: ClinVar variation 4995164 (VCV004995164.1).